The following is an entry in ClinVar:

ClinVar aggregate classification (germline): Uncertain significance (1 of 4 stars; one submission).

Allele frequency attached by ClinVar (database versions not stated): gnomAD exomes below 0.00001; gnomAD 0.00001; ESP Exome Variant Server 0.00008.

Submission:

GeneDx
Classification: Uncertain significance. Last evaluated: 2023-03-18. Review status: criteria provided, single submitter. Criteria: GeneDx Variant Classification Process June 2021. Collection method: clinical testing. Allele origin: germline. Affected: yes.
Comment: Not observed at significant frequency in large population cohorts (gnomAD); Canonical splice site variant in a gene or region of a gene for which loss of function is not a well-established mechanism of disease; Has not been previously published as pathogenic or benign to our knowledge

NM_015178.3(RHOBTB2):c.483-1G>A

Gene: RHOBTB2 (Rho related BTB domain containing 2; plus strand). Cytogenetic location: 8p21.3.
Variant type: single nucleotide variant.
Coding change: c.483-1G>A on transcript NM_015178.3 (MANE Select); the canonical splice acceptor site of the intron before coding-DNA position 483, G replaced by A.
Molecular consequence: splice acceptor variant.
Genome position (GRCh38, 1-based): chr8:23,006,727, G>A. VCF-style: chr8-23006727-G-A. GRCh37 (hg19) VCF-style: chr8-22864240-G-A.
Other names: c.549-1G>A (NM_001160036.2); c.504-1G>A (NM_001160037.2); c.483-1G>A (NM_001374791.1).
Identifiers: ClinVar variation 2579836 (VCV002579836.1), dbSNP rs139217990, ClinGen allele CA173876464.